The following is an entry in ClinVar:

NM_000557.5(GDF5):c.*520T>C

Genes: GDF5-AS1 (GDF5 antisense RNA 1; plus strand), GDF5 (growth differentiation factor 5; minus strand). Cytogenetic location: 20q11.22.
Variant type: single nucleotide variant.
Coding change: c.*520T>C on transcript NM_000557.5 (MANE Select); 520 bases downstream of the stop codon, T replaced by C.
Molecular consequence: 3 prime UTR variant.
Genome position (GRCh38, 1-based): chr20:35,433,389, A>G on the plus strand (T>C on the coding strand, the complement: GDF5 is on the minus strand). VCF-style: chr20-35433389-A-G. GRCh37 (hg19) VCF-style: chr20-34021187-A-G.
Other names: c.*520T>C (NM_001319138.2).
Identifiers: ClinVar variation 338309 (VCV000338309.5), dbSNP rs188252641, ClinGen allele CA10649664.

ClinVar aggregate classification (germline): Benign/Likely benign. Review status: criteria provided, single submitter (1 of 4 stars). 5 submissions from 1 submitter: Benign (2); Likely benign (3). Last evaluated 2018-01-13.

Conditions:
Brachydactyly. Also called: Brachydactyly syndrome; Brachydactyly (disease). Identifiers: MedGen C0221357, MONDO:0021004, HP:0001156.
Multiple synostoses syndrome 2 (SYNS2). Identifiers: Orphanet 3237, MedGen C1832708, MONDO:0012394, OMIM 610017.
Acromesomelic dysplasia 2B. Also called: DU PAN SYNDROME. Identifiers: Orphanet 2639, MedGen C1856738, MONDO:0009231, OMIM 228900.
Grebe syndrome. Also called: ACROMESOMELIC DYSPLASIA, GREBE TYPE; GREBE DYSPLASIA; ACROMESOMELIC DYSPLASIA 2A. Identifiers: Orphanet 2098, MedGen C0265260, MONDO:0008703, OMIM 200700.
Acromesomelic dysplasia 2C, Hunter-Thompson type. Also called: Acromesomelic dysplasia, Hunter-Thompson type. Identifiers: Orphanet 968, MedGen C2930970, MONDO:0008717, OMIM 201250.

Allele frequency attached by ClinVar (database versions not stated): gnomAD exomes 0.00030; gnomAD 0.00222 and 0.00238; 1000 Genomes Project 30x 0.00234; TOPMed 0.00235; 1000 Genomes Project 0.00240.
gnomAD v4.1: 382 of 311,402 alleles (0.12%); highest among the groups gnomAD compares: African/African-American, 0.77%; no homozygotes.

Submissions (5):

Illumina Laboratory Services, Illumina
Classification: Likely benign for Acromesomelic dysplasia 2C, Hunter-Thompson type. Last evaluated: 2018-01-13. Review status: criteria provided, single submitter. Criteria: ICSL Variant Classification Criteria 13 December 2019. Collection method: clinical testing. Allele origin: germline.
Comment: This variant was observed in the ICSL laboratory as part of a predisposition screen in an ostensibly healthy population. It had not been previously curated by ICSL or reported in the Human Gene Mutation Database (HGMD: prior to June 1st, 2018), and was therefore a candidate for classification through an automated scoring system. Utilizing variant allele frequency, disease prevalence and penetrance estimates, and inheritance mode, an automated score was calculated to assess if this variant is too frequent to cause the disease. Based on the score and internal cut-off values, a variant classified as likely benign is not then subjected to further curation. The score for this variant resulted in a classification of likely benign for this disease.

Illumina Laboratory Services, Illumina
Classification: Likely benign for Fibular hypoplasia and complex brachydactyly. Last evaluated: 2018-01-13. Review status: criteria provided, single submitter. Criteria: ICSL Variant Classification Criteria 13 December 2019. Collection method: clinical testing. Allele origin: germline.
Comment: the same text as in the submission from Illumina Laboratory Services, Illumina above.

Illumina Laboratory Services, Illumina
Classification: Benign for Multiple synostoses syndrome 2. Last evaluated: 2018-01-13. Review status: criteria provided, single submitter. Criteria: ICSL Variant Classification Criteria 13 December 2019. Collection method: clinical testing. Allele origin: germline.
Comment: This variant was observed in the ICSL laboratory as part of a predisposition screen in an ostensibly healthy population. It had not been previously curated by ICSL or reported in the Human Gene Mutation Database (HGMD: prior to June 1st, 2018), and was therefore a candidate for classification through an automated scoring system. Utilizing variant allele frequency, disease prevalence and penetrance estimates, and inheritance mode, an automated score was calculated to assess if this variant is too frequent to cause the disease. Based on the score and internal cut-off values, a variant classified as benign is not then subjected to further curation. The score for this variant resulted in a classification of benign for this disease.

Illumina Laboratory Services, Illumina
Classification: Likely benign for Grebe syndrome. Last evaluated: 2018-01-13. Review status: criteria provided, single submitter. Criteria: ICSL Variant Classification Criteria 13 December 2019. Collection method: clinical testing. Allele origin: germline.
Comment: the same text as in the submission from Illumina Laboratory Services, Illumina above.

Illumina Laboratory Services, Illumina
Classification: Benign for Brachydactyly. Last evaluated: 2018-01-13. Review status: criteria provided, single submitter. Criteria: ICSL Variant Classification Criteria 13 December 2019. Collection method: clinical testing. Allele origin: germline.
Comment: the same text as in the submission from Illumina Laboratory Services, Illumina above.